The following is an entry in ClinVar:

ClinVar aggregate classification (germline): Likely benign (1 of 4 stars; one submission).

gnomAD v4.1: 122 of 1,564,802 alleles (0.0078%); highest among the groups gnomAD compares: Non-Finnish European, 0.0093%; no homozygotes.

Submission:

CeGaT Center for Human Genetics Tuebingen
Classification: Likely benign. Last evaluated: 2026-02-01. Review status: criteria provided, single submitter. Criteria: CeGaT Center For Human Genetics Tuebingen Variant Classification Criteria Version 2. Collection method: clinical testing. Allele origin: germline. Affected: yes. Observed: 1 variant allele.
Comment: ZNF142: BP4, BP7

NM_001379659.1(ZNF142):c.5574C>T (p.Pro1858=)

Gene: ZNF142 (zinc finger protein 142; minus strand). Cytogenetic location: 2q35.
Variant type: single nucleotide variant.
Coding change: c.5574C>T on transcript NM_001379659.1 (MANE Select); coding-DNA position 5574, C replaced by T.
Protein change: p.Pro1858=; no amino-acid change (proline 1858 retained).
Molecular consequence: synonymous variant.
Genome position (GRCh38, 1-based): chr2:218,638,429, G>A on the plus strand (C>T on the coding strand, the complement: ZNF142 is on the minus strand). VCF-style: chr2-218638429-G-A. GRCh37 (hg19) VCF-style: chr2-219503152-G-A.
Other names: c.4974C>T, p.Pro1658= (NM_001105537.5, NM_001366291.3, NM_001379662.1); c.4485C>T, p.Pro1495= (NM_001366287.3, NM_001366288.3, NM_001366289.3); c.5574C>T, p.Pro1858= (NM_001366290.3, NM_001379660.1, NM_001379661.1).
Identifiers: ClinVar variation 4821128 (VCV004821128.4).